The following is an entry in ClinVar:

NM_001379500.1(COL18A1):c.2261G>T (p.Gly754Val)

Gene: COL18A1 (collagen type XVIII alpha 1 chain; plus strand). Cytogenetic location: 21q22.3.
Variant type: single nucleotide variant.
Coding change: c.2261G>T on transcript NM_001379500.1 (MANE Select); coding-DNA position 2261, G replaced by T.
Protein change: p.Gly754Val; replaces glycine 754 with valine.
Molecular consequence: missense variant.
Genome position (GRCh38, 1-based): chr21:45,493,209, G>T. VCF-style: chr21-45493209-G-T. GRCh37 (hg19) VCF-style: chr21-46913123-G-T.
Other names: NM_130445.2:c.2261G>T; c.2801G>T, p.Gly934Val (NM_030582.4); c.3506G>T, p.Gly1169Val (NM_130444.3); short protein forms G934V, G1169V, G754V.
Identifiers: ClinVar variation 1434257 (VCV001434257.4), dbSNP rs1227712112, ClinGen allele CA410497335.
Genomic context (GRCh38, chr21:45,493,209, plus strand): 5'-GGCCTCCATTCCAGGGACCTGCAGGACCCAAGGGCAACCTGGGCTCTAAGGGCGAACGAG[G>T]CTCCCCGGGACCCAAGGTAAGGGGCTCAGGTGCTGTCCCTCAACCCCCTTTGTGACCCAG-3'
Protein context (NP_001366429.1, residues 744-764): KGNLGSKGER[Gly754Val]SPGPKGEKGE

ClinVar aggregate classification (germline): Uncertain significance. Review status: criteria provided, multiple submitters, no conflicts (2 of 4 stars). 2 submissions from 2 submitters: Uncertain significance (2). Last evaluated 2025-06-25.

Conditions:
Inborn genetic diseases. Identifiers: MedGen C0950123, MeSH D030342.

Allele frequency attached by ClinVar (database versions not stated): gnomAD 0.00004.

Submissions (2):

Ambry Genetics
Classification: Uncertain significance for Inborn genetic diseases. Last evaluated: 2025-06-25. Review status: criteria provided, single submitter. Criteria: Ambry Variant Classification Scheme 2023. Collection method: clinical testing. Allele origin: germline.

Labcorp Genetics (formerly Invitae), Labcorp
Classification: Uncertain significance. Last evaluated: 2022-06-13. Review status: criteria provided, single submitter. Criteria: Invitae Variant Classification Sherloc (09022015). Collection method: clinical testing. Allele origin: germline.
Comment: This sequence change replaces glycine with valine at codon 754 of the COL18A1 protein (p.Gly754Val). There is a moderate physicochemical difference between glycine and valine. This variant is present in population databases (no rsID available, gnomAD 0.004%). This variant has not been reported in the literature in individuals affected with COL18A1-related conditions. Experimental studies and prediction algorithms are not available or were not evaluated, and the functional significance of this variant is currently unknown. In summary, the available evidence is currently insufficient to determine the role of this variant in disease. Therefore, it has been classified as a Variant of Uncertain Significance.